The following is an entry in ClinVar:

NM_017934.7(PHIP):c.4259C>T (p.Ser1420Leu)

Genes: IRAK1BP1 (interleukin 1 receptor associated kinase 1 binding protein 1; plus strand), PHIP (PHIP subunit of CUL4-Ring ligase complex; minus strand). Cytogenetic location: 6q14.1.
Variant type: single nucleotide variant.
Coding change: c.4259C>T on transcript NM_017934.7 (MANE Select); coding-DNA position 4259, C replaced by T.
Protein change: p.Ser1420Leu; replaces serine 1420 with leucine.
Molecular consequence: missense variant.
Genome position (GRCh38, 1-based): chr6:78,946,822, G>A on the plus strand (C>T on the coding strand, the complement: PHIP is on the minus strand). VCF-style: chr6-78946822-G-A. GRCh37 (hg19) VCF-style: chr6-79656539-G-A.
Other names: short protein forms S1420L.
Identifiers: ClinVar variation 4989353 (VCV004989353.1).
Genomic context (GRCh38, chr6:78,946,822, plus strand): 5'-CTTTTGGTTATGGTATTTCTTTTATGAAAACGAAGAGCAGATTTATAATCTGATAAAACT[G>A]AACTAATGTGTTCTTCAAAGAAAGCAGACAGGCGCAAACTCATGCTGTAAATCTGTGAGG-3'
Protein context (NP_060404.4, residues 1410-1430): LSAFFEEHIS[Ser1420Leu]VLSDYKSALR

ClinVar aggregate classification (germline): Uncertain significance (1 of 4 stars; one submission).

Conditions:
PHIP-related disorder. Also called: PHIP-related disorders; PHIP-related condition.

Submission:

PreventionGenetics, part of Exact Sciences
Classification: Uncertain significance for PHIP-related condition. Last evaluated: 2025-04-24. Review status: criteria provided, single submitter. Criteria: ACMG Guidelines, 2015. Collection method: clinical testing. Allele origin: germline.
Comment: The PHIP c.4259C>T variant is predicted to result in the amino acid substitution p.Ser1420Leu. To our knowledge, this variant has not been reported in the literature or in a large population database (gnomAD), indicating this variant is rare. At this time, the clinical significance of this variant is uncertain due to the absence of conclusive functional and genetic evidence.